The following is an entry in ClinVar:

ClinVar aggregate classification (germline): Likely benign (1 of 4 stars; one submission).

Submission:

CeGaT Center for Human Genetics Tuebingen
Classification: Likely benign. Last evaluated: 2024-09-01. Review status: criteria provided, single submitter. Criteria: CeGaT Center For Human Genetics Tuebingen Variant Classification Criteria Version 2. Collection method: clinical testing. Allele origin: germline. Affected: yes. Observed: 1 variant allele.
Comment: KCNK6: BP4, BP7

NM_004823.3(KCNK6):c.696C>T (p.Ala232=)

Gene: KCNK6 (potassium two pore domain channel subfamily K member 6; plus strand). Cytogenetic location: 19q13.2.
Variant type: single nucleotide variant.
Coding change: c.696C>T on transcript NM_004823.3 (MANE Select); coding-DNA position 696, C replaced by T.
Protein change: p.Ala232=; no amino-acid change (alanine 232 retained).
Molecular consequence: synonymous variant.
Genome position (GRCh38, 1-based): chr19:38,326,966, C>T. VCF-style: chr19-38326966-C-T. GRCh37 (hg19) VCF-style: chr19-38817606-C-T.
Identifiers: ClinVar variation 3389788 (VCV003389788.14).